The following is an entry in ClinVar:

ClinVar aggregate classification (germline): Conflicting classifications of pathogenicity. Review status: criteria provided, conflicting classifications (1 of 4 stars). 4 submissions from 4 submitters: Likely pathogenic (1); Uncertain significance (2). 1 of the submissions does not count toward it. Last evaluated 2026-02-02.

Conditions:
Hereditary cancer-predisposing syndrome. Also called: Tumor predisposition; Neoplastic Syndromes, Hereditary; Hereditary neoplastic syndrome; Hereditary Cancer Syndrome. Identifiers: Orphanet 140162, MedGen C0027672, MeSH D009386, MONDO:0015356.
Carney complex, type 1 (CNC1). Also called: CARNEY MYXOMA-ENDOCRINE COMPLEX; CARNEY COMPLEX, TYPE I. Identifiers: Orphanet 1359, MedGen C2607929, MONDO:0008057, OMIM 160980.

Allele frequency attached by ClinVar (database versions not stated): TOPMed below 0.00001.

Submissions (4):

Ambry Genetics
Classification: Uncertain significance for Hereditary cancer-predisposing syndrome. Last evaluated: 2026-02-02. Review status: criteria provided, single submitter. Criteria: Ambry Variant Classification Scheme 2023. Collection method: clinical testing. Allele origin: germline.
Comment: The c.177+3A>G intronic variant results from an A to G substitution 3 nucleotides after coding exon 1 in the PRKAR1A gene. This nucleotide position is well conserved in available vertebrate species. This alteration has been reported in a family with two siblings diagnosed with primary pigmented nodular adrenocortical disease (PPNAD); the variant was also identified in the mother who had consistent features of PPNAD (Peck MC et al. Endocr Pract, 2010;16:198-204). In silico splice site analysis predicts that this alteration will weaken the native splice donor site and may result in the creation or strengthening of a novel splice donor site. Based on the available evidence, the clinical significance of this variant remains unclear.

GeneDx
Classification: Likely pathogenic. Last evaluated: 2021-11-22. Review status: criteria provided, single submitter. Criteria: GeneDx Variant Classification Process June 2021. Collection method: clinical testing. Allele origin: germline. Affected: yes.
Comment: Not observed at significant frequency in large population cohorts (Lek 2016); In silico analysis supports a deleterious effect on splicing; This variant is associated with the following publications: (PMID: 19833579, 25525159, 20301463, 26130139)

Blueprint Genetics
Classification: Uncertain significance. Last evaluated: 2021-06-28. Review status: criteria provided, single submitter. Criteria: ACMG Guidelines, 2015. Collection method: clinical testing. Allele origin: germline.

GeneReviews
No classification provided. Condition: Carney complex, type 1. Review status: no classification provided. Collection method: literature only. Allele origin: germline. Not counted in ClinVar's aggregate classification.

Literature cited by the submitters: PubMed 19833579 (cited by Ambry Genetics).

NM_002734.5(PRKAR1A):c.177+3A>G

Gene: PRKAR1A (protein kinase cAMP-dependent type I regulatory subunit alpha; plus strand). Cytogenetic location: 17q24.2.
Variant type: single nucleotide variant.
Coding change: c.177+3A>G on transcript NM_002734.5 (MANE Select); 3 bases into the intron after coding-DNA position 177, A replaced by G.
Molecular consequence: intron variant.
Genome position (GRCh38, 1-based): chr17:68,515,579, A>G. VCF-style: chr17-68515579-A-G. GRCh37 (hg19) VCF-style: chr17-66511720-A-G.
Other names: c.177+3A>G (NM_001369389.1, NM_212471.3, NM_212472.2 and 4 more transcripts).
Identifiers: ClinVar variation 189811 (VCV000189811.12), dbSNP rs797044568, ClinGen allele CA347182.
Genomic context (GRCh38, chr17:68,515,579, plus strand): 5'-TGCTCGACCTGAGAGACCCATGGCATTCCTCAGGGAATACTTTGAGAGGTTGGAGAAGGT[A>G]AAAATAAATGTGGGGAGATGATGAGGTGATTGTGACAGTTGTTACATTTAATAACTGGAA-3'